The following is an entry in ClinVar:

NM_001985.3(ETFB):c.632C>T (p.Pro211Leu)

Gene: ETFB (electron transfer flavoprotein subunit beta; minus strand). Cytogenetic location: 19q13.41.
Variant type: single nucleotide variant.
Coding change: c.632C>T on transcript NM_001985.3 (MANE Select); coding-DNA position 632, C replaced by T.
Protein change: p.Pro211Leu; replaces proline 211 with leucine.
Molecular consequence: missense variant.
Genome position (GRCh38, 1-based): chr19:51,345,347, G>A on the plus strand (C>T on the coding strand, the complement: ETFB is on the minus strand). VCF-style: chr19-51345347-G-A. GRCh37 (hg19) VCF-style: chr19-51848601-G-A.
Other names: c.905C>T, p.Pro302Leu (NM_001014763.1); short protein forms P211L, P302L.
Identifiers: ClinVar variation 3251391 (VCV003251391.1), dbSNP rs760907327.
Genomic context (GRCh38, chr19:51,345,347, plus strand): 5'-GGCGGGTCCTCCACACTGATCACAGAGAGCTTGGAGGTCAGGTCCACACCCAGGTCCCCA[G>A]GCTTGATCACCTCGATCTTCTTCTTCTTGGCTTTCTGCACATGGGAAGCCATTGTTCACA-3'
Protein context (NP_001976.1, residues 201-221): AKKKKIEVIK[Pro211Leu]GDLGVDLTSK

ClinVar aggregate classification (germline): Uncertain significance (1 of 4 stars; one submission).

Allele frequency attached by ClinVar (database versions not stated): gnomAD exomes below 0.00001.
gnomAD v4.1: 1 of 1,614,074 alleles (0.000062%); highest among the groups gnomAD compares: Non-Finnish European, 0.000085%; no homozygotes.

Submission:

Women's Health and Genetics/Laboratory Corporation of America, LabCorp
Classification: Uncertain significance. Last evaluated: 2024-04-09. Review status: criteria provided, single submitter. Criteria: LabCorp Variant Classification Summary - May 2015. Collection method: clinical testing. Allele origin: germline.
Comment: Variant summary: ETFB c.632C>T (p.Pro211Leu) results in a non-conservative amino acid change located in the Electron transfer flavoprotein, alpha/beta-subunit, N-terminal domain (IPR014730) of the encoded protein sequence. Three of five in-silico tools predict a benign effect of the variant on protein function. The variant was absent in 251450 control chromosomes. The available data on variant occurrences in the general population are insufficient to allow any conclusion about variant significance. To our knowledge, no occurrence of c.632C>T in individuals affected with Glutaric Aciduria, Type 2b and no experimental evidence demonstrating its impact on protein function have been reported. No submitters have cited clinical-significance assessments for this variant to ClinVar. Based on the evidence outlined above, the variant was classified as uncertain significance.